The following is an entry in ClinVar:

ClinVar aggregate classification (germline): Benign (1 of 4 stars; one submission).

Conditions:
Episodic ataxia type 1 (EA1). Also called: ATAXIA, EPISODIC, WITH MYOKYMIA; MYOKYMIA WITH PERIODIC ATAXIA; PAROXYSMAL ATAXIA WITH NEUROMYOTONIA, HEREDITARY; Episodic ataxia/myokymia syndrome. Identifiers: Orphanet 37612, Orphanet 972, MedGen C1719788, MONDO:0008047, OMIM 160120.

Allele frequency attached by ClinVar (database versions not stated): gnomAD 0.00002 and 0.00007; TOPMed 0.00003; gnomAD exomes 0.00004; 1000 Genomes Project 30x 0.00031; 1000 Genomes Project 0.00040.

Submission:

Illumina Laboratory Services, Illumina
Classification: Benign for Episodic ataxia type 1. Last evaluated: 2018-01-13. Review status: criteria provided, single submitter. Criteria: ICSL Variant Classification Criteria 13 December 2019. Collection method: clinical testing. Allele origin: germline.
Comment: This variant was observed in the ICSL laboratory as part of a predisposition screen in an ostensibly healthy population. It had not been previously curated by ICSL or reported in the Human Gene Mutation Database (HGMD: prior to June 1st, 2018), and was therefore a candidate for classification through an automated scoring system. Utilizing variant allele frequency, disease prevalence and penetrance estimates, and inheritance mode, an automated score was calculated to assess if this variant is too frequent to cause the disease. Based on the score and internal cut-off values, a variant classified as benign is not then subjected to further curation. The score for this variant resulted in a classification of benign for this disease.

NM_000217.3(KCNA1):c.*517T>C

Gene: KCNA1 (potassium voltage-gated channel subfamily A member 1; plus strand). Cytogenetic location: 12p13.32.
Variant type: single nucleotide variant.
Coding change: c.*517T>C on transcript NM_000217.3 (MANE Select); 517 bases downstream of the stop codon, T replaced by C.
Molecular consequence: 3 prime UTR variant.
Genome position (GRCh38, 1-based): chr12:4,913,383, T>C. VCF-style: chr12-4913383-T-C. GRCh37 (hg19) VCF-style: chr12-5022549-T-C.
Identifiers: ClinVar variation 309157 (VCV000309157.6), dbSNP rs140164407, ClinGen allele CA10641548.